The following is an entry in ClinVar:

ClinVar aggregate classification (germline): Conflicting classifications of pathogenicity. Review status: criteria provided, conflicting classifications (1 of 4 stars). 6 submissions from 6 submitters: Uncertain significance (2); Benign (1); Likely benign (1). 2 of the submissions do not count toward it. Last evaluated 2026-01-28.

Conditions:
Congenital lipoid adrenal hyperplasia due to STAR deficency. Also called: Cholesterol monooxygenase (side-chain cleaving) deficiency; Congenital Lipoid Adrenal Hyperplasia; Lipoid adrenal hyperplasia; ADRENAL HYPERPLASIA I. Identifiers: Orphanet 418, Orphanet 90790, MedGen C0342474, MONDO:0008725, OMIM 201710.
STAR-related disorder. Also called: STAR-related condition.

Allele frequency attached by ClinVar (database versions not stated): TOPMed 0.00094; gnomAD 0.00104 and 0.00111; gnomAD exomes 0.00105; ESP Exome Variant Server 0.00108; ExAC 0.00109.

Submissions (6):

Labcorp Genetics (formerly Invitae), Labcorp
Classification: Benign. Last evaluated: 2026-01-28. Review status: criteria provided, single submitter. Criteria: Invitae Variant Classification Sherloc (09022015). Collection method: clinical testing. Allele origin: germline.

Blueprint Genetics
Classification: Uncertain significance. Last evaluated: 2024-11-25. Review status: criteria provided, single submitter. Criteria: ACMG Guidelines, 2015. Collection method: clinical testing. Allele origin: germline.

Illumina Laboratory Services, Illumina
Classification: Uncertain significance for Congenital lipoid adrenal hyperplasia due to STAR deficency. Last evaluated: 2018-01-13. Review status: criteria provided, single submitter. Criteria: ICSL Variant Classification Criteria 13 December 2019. Collection method: clinical testing. Allele origin: germline.

GeneDx
Classification: Likely benign. Last evaluated: 2016-03-10. Review status: criteria provided, single submitter. Criteria: GeneDx Variant Classification (06012015). Collection method: clinical testing. Allele origin: germline. Affected: yes.
Comment: This variant is considered likely benign or benign based on one or more of the following criteria: it is a conservative change, it occurs at a poorly conserved position in the protein, it is predicted to be benign by multiple in silico algorithms, and/or has population frequency not consistent with disease.

PreventionGenetics, part of Exact Sciences
Classification: Likely benign for STAR-related condition. Last evaluated: 2024-09-23. Review status: no assertion criteria provided. Collection method: clinical testing. Allele origin: germline. Not counted in ClinVar's aggregate classification.
Comment: This variant is classified as likely benign based on ACMG/AMP sequence variant interpretation guidelines (Richards et al. 2015 PMID: 25741868, with internal and published modifications).

Natera, Inc.
Classification: Uncertain significance for Congenital lipoid adrenal hyperplasia. Last evaluated: 2020-01-07. Review status: no assertion criteria provided. Collection method: clinical testing. Allele origin: germline. Not counted in ClinVar's aggregate classification.

NM_000349.3(STAR):c.466-5G>A

Gene: STAR (steroidogenic acute regulatory protein; minus strand). Cytogenetic location: 8p11.23.
Variant type: single nucleotide variant.
Coding change: c.466-5G>A on transcript NM_000349.3 (MANE Select); 5 bases into the intron before coding-DNA position 466, G replaced by A.
Molecular consequence: intron variant.
Genome position (GRCh38, 1-based): chr8:38,146,152, C>T on the plus strand (G>A on the coding strand, the complement: STAR is on the minus strand). VCF-style: chr8-38146152-C-T. GRCh37 (hg19) VCF-style: chr8-38003670-C-T.
Identifiers: ClinVar variation 362846 (VCV000362846.17), dbSNP rs375678713, ClinGen allele CA4715231.